The following is an entry in ClinVar:

ClinVar aggregate classification (germline): Uncertain significance (1 of 4 stars; one submission).

Allele frequency attached by ClinVar (database versions not stated): gnomAD exomes below 0.00001; TOPMed below 0.00001; gnomAD 0.00001 and 0.00002.
gnomAD v4.1: 13 of 1,613,982 alleles (0.00081%); highest among the groups gnomAD compares: Middle Eastern, 0.016%; 1 homozygote.

Submission:

Labcorp Genetics (formerly Invitae), Labcorp
Classification: Uncertain significance. Last evaluated: 2021-07-28. Review status: criteria provided, single submitter. Criteria: Invitae Variant Classification Sherloc (09022015). Collection method: clinical testing. Allele origin: germline.
Comment: This variant has not been reported in the literature in individuals affected with PDZD7-related conditions. This variant is not present in population databases (ExAC no frequency). This sequence change replaces arginine with cysteine at codon 158 of the PDZD7 protein (p.Arg158Cys). The arginine residue is highly conserved and there is a large physicochemical difference between arginine and cysteine. Algorithms developed to predict the effect of missense changes on protein structure and function output the following: SIFT: "Deleterious"; PolyPhen-2: "Not Available"; Align-GVGD: "Class C0". The cysteine amino acid residue is found in multiple mammalian species, which suggests that this missense change does not adversely affect protein function. In summary, the available evidence is currently insufficient to determine the role of this variant in disease. Therefore, it has been classified as a Variant of Uncertain Significance.

NM_001195263.2(PDZD7):c.472C>T (p.Arg158Cys)

Gene: PDZD7 (PDZ domain containing 7; minus strand). Cytogenetic location: 10q24.31.
Variant type: single nucleotide variant.
Coding change: c.472C>T on transcript NM_001195263.2 (MANE Select); coding-DNA position 472, C replaced by T.
Protein change: p.Arg158Cys; replaces arginine 158 with cysteine.
Molecular consequence: missense variant.
Genome position (GRCh38, 1-based): chr10:101,023,506, G>A on the plus strand (C>T on the coding strand, the complement: PDZD7 is on the minus strand). VCF-style: chr10-101023506-G-A. GRCh37 (hg19) VCF-style: chr10-102783263-G-A.
Other names: c.472C>T, p.Arg158Cys (NM_001351044.2, NM_024895.5); short protein forms R158C.
Identifiers: ClinVar variation 1370457 (VCV001370457.4), dbSNP rs1047223437, ClinGen allele CA212989072.
Genomic context (GRCh38, chr10:101,023,506, plus strand): 5'-TCTCCTTGGAGAACTTGATGCCCGGCACACGGCCCATGCGCCGAACCATCATGTGCAGGC[G>A]GCTGCTGCTGGTCAGCACCTTTACGGCGCTACCCATGGTGGTGCTCTCCAGGCTCAGCCC-3'
Protein context (NP_001182192.1, residues 148-168): SAVKVLTSSS[Arg158Cys]LHMMVRRMGR